The following is an entry in ClinVar:

NM_205850.3(SLC24A5):c.83C>G (p.Ser28Ter)

Gene: SLC24A5 (solute carrier family 24 member 5; plus strand). Cytogenetic location: 15q21.1.
Variant type: single nucleotide variant.
Coding change: c.83C>G on transcript NM_205850.3 (MANE Select); coding-DNA position 83, C replaced by G.
Protein change: p.Ser28Ter; replaces serine 28 with a stop codon.
Molecular consequence: nonsense.
Genome position (GRCh38, 1-based): chr15:48,121,127, C>G. VCF-style: chr15-48121127-C-G. GRCh37 (hg19) VCF-style: chr15-48413324-C-G.
Other names: short protein forms S28*.
Identifiers: ClinVar variation 4715838 (VCV004715838.1).

ClinVar aggregate classification (germline): Pathogenic (1 of 4 stars; one submission).

gnomAD v4.1: 1 of 1,613,814 alleles (0.000062%); highest among the groups gnomAD compares: South Asian, 0.0011%; no homozygotes.

Submission:

Labcorp Genetics (formerly Invitae), Labcorp
Classification: Pathogenic. Last evaluated: 2025-03-31. Review status: criteria provided, single submitter. Criteria: Invitae Variant Classification Sherloc (09022015). Collection method: clinical testing. Allele origin: germline.
Comment: This sequence change creates a premature translational stop signal (p.Ser28*) in the SLC24A5 gene. It is expected to result in an absent or disrupted protein product. Loss-of-function variants in SLC24A5 are known to be pathogenic (PMID: 23985994, 26686029). This variant is not present in population databases (gnomAD no frequency). This variant has not been reported in the literature in individuals affected with SLC24A5-related conditions. For these reasons, this variant has been classified as Pathogenic.

Literature cited by the submitters: PubMed 23985994; PubMed 26686029.